The following is an entry in ClinVar:

NM_004820.5(CYP7B1):c.122+9C>T

Gene: CYP7B1 (cytochrome P450 family 7 subfamily B member 1; minus strand). Cytogenetic location: 8q12.3.
Variant type: single nucleotide variant.
Coding change: c.122+9C>T on transcript NM_004820.5 (MANE Select); 9 bases into the intron after coding-DNA position 122, C replaced by T.
Molecular consequence: intron variant.
Genome position (GRCh38, 1-based): chr8:64,798,457, G>A on the plus strand (C>T on the coding strand, the complement: CYP7B1 is on the minus strand). VCF-style: chr8-64798457-G-A. GRCh37 (hg19) VCF-style: chr8-65711014-G-A.
Other names: c.122+9C>T (NM_004820.4, NM_001324112.2).
Identifiers: ClinVar variation 697038 (VCV000697038.13), dbSNP rs968898541, ClinGen allele CA179061861.

ClinVar aggregate classification (germline): Conflicting classifications of pathogenicity. Review status: criteria provided, conflicting classifications (1 of 4 stars). 3 submissions from 3 submitters: Uncertain significance (1); Likely benign (1). 1 of the submissions does not count toward it. Last evaluated 2025-12-13.

Conditions:
CYP7B1-related disorder. Also called: CYP7B1-related condition.
Spastic paraplegia. Identifiers: MedGen C0037772, HP:0001258.
Hereditary spastic paraplegia. Also called: Familial spastic paraparesis. Identifiers: Orphanet 685, MedGen C0037773, MONDO:0019064. Disease mechanism: loss of function.

Allele frequency attached by ClinVar (database versions not stated): gnomAD exomes 0.00003 and 0.00008; TOPMed 0.00008; gnomAD 0.00010; 1000 Genomes Project 30x 0.00031.
gnomAD v4.1: 125 of 1,510,044 alleles (0.0083%); highest among the groups gnomAD compares: Admixed American, 0.017%; no homozygotes.

Submissions (3):

Labcorp Genetics (formerly Invitae), Labcorp
Classification: Likely benign for Spastic paraplegia. Last evaluated: 2025-12-13. Review status: criteria provided, single submitter. Criteria: Invitae Variant Classification Sherloc (09022015). Collection method: clinical testing. Allele origin: germline.

Genome Diagnostics Laboratory, The Hospital for Sick Children
Classification: Uncertain significance for Hereditary spastic paraplegia. Last evaluated: 2016-12-12. Review status: criteria provided, single submitter. Criteria: ACMG Guidelines, 2015. Collection method: clinical testing. Allele origin: germline. Affected: yes.

PreventionGenetics, part of Exact Sciences
Classification: Likely benign for CYP7B1-related condition. Last evaluated: 2023-05-31. Review status: no assertion criteria provided. Collection method: clinical testing. Allele origin: germline. Not counted in ClinVar's aggregate classification.
Comment: This variant is classified as likely benign based on ACMG/AMP sequence variant interpretation guidelines (Richards et al. 2015 PMID: 25741868, with internal and published modifications).